The following is an entry in ClinVar:

NM_031372.4(HNRNPDL):c.552C>A (p.Val184=)

Gene: HNRNPDL (heterogeneous nuclear ribonucleoprotein D like; minus strand). Cytogenetic location: 4q21.22.
Variant type: single nucleotide variant.
Coding change: c.552C>A on transcript NM_031372.4 (MANE Select); coding-DNA position 552, C replaced by A.
Protein change: p.Val184=; no amino-acid change (valine 184 retained).
Molecular consequence: synonymous variant. On other transcripts: non-coding transcript variant (1).
Genome position (GRCh38, 1-based): chr4:82,428,338, G>T on the plus strand (C>A on the coding strand, the complement: HNRNPDL is on the minus strand). VCF-style: chr4-82428338-G-T. GRCh37 (hg19) VCF-style: chr4-83349491-G-T.
Other names: c.552C>A, p.Val184= (NM_001207000.1).
Identifiers: ClinVar variation 2654842 (VCV002654842.24), dbSNP rs757774444, ClinGen allele CA440230798.

ClinVar aggregate classification (germline): Likely benign (1 of 4 stars; one submission).

gnomAD v4.1: 1 of 1,613,828 alleles (0.000062%); highest among the groups gnomAD compares: Admixed American, 0.0017%; no homozygotes.

Submission:

CeGaT Center for Human Genetics Tuebingen
Classification: Likely benign. Last evaluated: 2023-01-01. Review status: criteria provided, single submitter. Criteria: CeGaT Center For Human Genetics Tuebingen Variant Classification Criteria Version 2. Collection method: clinical testing. Allele origin: germline. Affected: yes. Observed: 1 variant allele.
Comment: HNRNPDL: BP4